The following is an entry in ClinVar:

ClinVar aggregate classification (germline): Uncertain significance (1 of 4 stars; one submission).
ClinVar aggregate classification (somatic clinical impact): Tier I - Strong (1 of 4 stars; one submission).

Conditions:
Diffuse pediatric-type high-grade glioma, H3-wildtype and IDH-wildtype. Identifiers: MedGen C5669918, MONDO:0858939.

Submissions (2):

Institute for Genomic Medicine (IGM) Clinical Laboratory, Nationwide Children's Hospital
Classification: Tier I - Strong for Diffuse pediatric-type high-grade glioma, H3-wildtype and IDH-wildtype. Assertion type: diagnostic. Clinical significance: supports diagnosis. Last evaluated: 2022-10-14. Review status: criteria provided, single submitter. Criteria: AMP/ASCO/CAP Guidelines, 2017. Collection method: clinical testing. Allele origin: somatic. Affected: yes.
Comment: Variant has Tier I (strong) clinical significance as a diagnostic inclusion criterion in diffuse pediatric-type high-grade glioma, H3-wildtype and IDH-wildtype, based on the following evidence: 1) Documented in one or more cancer databases (e.g., St. Jude Pecan, COSMIC, CIViC, OncoKB). 2) Information in the literature supports potential biologic effect of variant (PMIDs: 30917185, 26763250, 31829442). 3) Diagnostic for a specific tumor type/classification based on well-powered studies with expert-level consensus (Evidence Level B; PMID: 28912153).

Labcorp Genetics (formerly Invitae), Labcorp
Classification: Uncertain significance. Last evaluated: 2018-03-28. Review status: criteria provided, single submitter. Criteria: Invitae Variant Classification Sherloc (09022015). Collection method: clinical testing. Allele origin: germline.
Comment: In summary, the available evidence is currently insufficient to determine the role of this variant in disease. Therefore, it has been classified as a Variant of Uncertain Significance. Algorithms developed to predict the effect of missense changes on protein structure and function do not agree on the potential impact of this missense change (SIFT: "Deleterious"; PolyPhen-2: "Probably Damaging"; Align-GVGD: "Class C0"). This variant has not been reported as a germline change in the literature in individuals with POLE-related disease. This variant is not present in population databases (ExAC no frequency). This sequence change replaces alanine with proline at codon 456 of the POLE protein (p.Ala456Pro). The alanine residue is highly conserved and there is a small physicochemical difference between alanine and proline.

Literature cited by the submitters: PubMed 30917185 (cited by Institute for Genomic Medicine (IGM) Clinical Laboratory, Nationwide Children's Hospital); PubMed 26763250 (cited by Institute for Genomic Medicine (IGM) Clinical Laboratory, Nationwide Children's Hospital); PubMed 31829442 (cited by Institute for Genomic Medicine (IGM) Clinical Laboratory, Nationwide Children's Hospital); PubMed 28912153 (cited by Institute for Genomic Medicine (IGM) Clinical Laboratory, Nationwide Children's Hospital).

NM_006231.4(POLE):c.1366G>C (p.Ala456Pro)

Gene: POLE (DNA polymerase epsilon, catalytic subunit; minus strand). Cytogenetic location: 12q24.33.
Variant type: single nucleotide variant.
Coding change: c.1366G>C on transcript NM_006231.4 (MANE Select); coding-DNA position 1366, G replaced by C.
Protein change: p.Ala456Pro; replaces alanine 456 with proline.
Molecular consequence: missense variant.
Genome position (GRCh38, 1-based): chr12:132,673,271, C>G on the plus strand (G>C on the coding strand, the complement: POLE is on the minus strand). VCF-style: chr12-132673271-C-G. GRCh37 (hg19) VCF-style: chr12-133249857-C-G.
Other names: short protein forms A456P.
Identifiers: ClinVar variation 574902 (VCV000574902.7), dbSNP rs1565972665, ClinGen allele CA387358849.